The following is an entry in ClinVar:

ClinVar aggregate classification (germline): Uncertain significance (1 of 4 stars; one submission).

Conditions:
Cardiovascular phenotype. Identifiers: MedGen CN230736.

Submission:

Ambry Genetics
Classification: Uncertain significance for Cardiovascular phenotype. Last evaluated: 2023-01-20. Review status: criteria provided, single submitter. Criteria: Ambry Variant Classification Scheme 2023. Collection method: clinical testing. Allele origin: germline.
Comment: The p.H59Y variant (also known as c.175C>T), located in coding exon 1 of the TECRL gene, results from a C to T substitution at nucleotide position 175. The histidine at codon 59 is replaced by tyrosine, an amino acid with similar properties. This amino acid position is conserved. In addition, this alteration is predicted to be tolerated by in silico analysis. Since supporting evidence is limited at this time, the clinical significance of this alteration remains unclear.

NM_001010874.5(TECRL):c.175C>T (p.His59Tyr)

Gene: TECRL (trans-2,3-enoyl-CoA reductase like; minus strand). Cytogenetic location: 4q13.1.
Variant type: single nucleotide variant.
Coding change: c.175C>T on transcript NM_001010874.5 (MANE Select); coding-DNA position 175, C replaced by T.
Protein change: p.His59Tyr; replaces histidine 59 with tyrosine.
Molecular consequence: missense variant.
Genome position (GRCh38, 1-based): chr4:64,409,177, G>A on the plus strand (C>T on the coding strand, the complement: TECRL is on the minus strand). VCF-style: chr4-64409177-G-A. GRCh37 (hg19) VCF-style: chr4-65274895-G-A.
Other names: c.175C>T, p.His59Tyr (NM_001363796.1); short protein forms H59Y.
Identifiers: ClinVar variation 2449409 (VCV002449409.2), dbSNP rs752006303, ClinGen allele CA357148970.